The following is an entry in ClinVar:

ClinVar aggregate classification (germline): Benign (0 of 4 stars; one submission).

Conditions:
PHF3-related disorder. Also called: PHF3-related condition.

Allele frequency attached by ClinVar (database versions not stated): ExAC 0.00182; gnomAD 0.00609; 1000 Genomes Project 0.00659; TOPMed 0.00689; 1000 Genomes Project 30x 0.00703; ESP Exome Variant Server 0.00730.
gnomAD v4.1: 1,974 of 1,613,986 alleles (0.12%); highest among the groups gnomAD compares: African/African-American, 2.2%; 23 homozygotes.

Submission:

PreventionGenetics, part of Exact Sciences
Classification: Benign for PHF3-related condition. Last evaluated: 2021-06-15. Review status: no assertion criteria provided. Collection method: clinical testing. Allele origin: germline.
Comment: This variant is classified as benign based on ACMG/AMP sequence variant interpretation guidelines (Richards et al. 2015 PMID: 25741868, with internal and published modifications).

NM_001370348.2(PHF3):c.5745G>A (p.Arg1915=)

Gene: PHF3 (PHD finger protein 3; plus strand). Cytogenetic location: 6q12.
Variant type: single nucleotide variant.
Coding change: c.5745G>A on transcript NM_001370348.2 (MANE Select); coding-DNA position 5745, G replaced by A.
Protein change: p.Arg1915=; no amino-acid change (arginine 1915 retained).
Molecular consequence: synonymous variant.
Genome position (GRCh38, 1-based): chr6:63,713,333, G>A. VCF-style: chr6-63713333-G-A. GRCh37 (hg19) VCF-style: chr6-64423229-G-A.
Other names: c.5481G>A, p.Arg1827= (NM_001290259.2, NM_001370349.2); c.3552G>A, p.Arg1184= (NM_001370350.2); c.5745G>A, p.Arg1915= (NM_015153.4).
Identifiers: ClinVar variation 3041813 (VCV003041813.2), dbSNP rs115524485, ClinGen allele CA3876582.